The following is an entry in ClinVar:

ClinVar aggregate classification (germline): Uncertain significance (1 of 4 stars; one submission).

Conditions:
Charcot-Marie-Tooth disease type 4. Also called: Charcot-Marie-Tooth disease, type IV; Charcot-Marie-Tooth, Type 4. Identifiers: Orphanet 64749, MedGen C4082197, MONDO:0018995.

Submission:

Labcorp Genetics (formerly Invitae), Labcorp
Classification: Uncertain significance for Charcot-Marie-Tooth disease type 4. Last evaluated: 2024-12-30. Review status: criteria provided, single submitter. Criteria: Invitae Variant Classification Sherloc (09022015). Collection method: clinical testing. Allele origin: germline.
Comment: This sequence change replaces alanine, which is neutral and non-polar, with serine, which is neutral and polar, at codon 85 of the FGD4 protein (p.Ala85Ser). This variant is not present in population databases (gnomAD no frequency). This variant has not been reported in the literature in individuals affected with FGD4-related conditions. Invitae Evidence Modeling of protein sequence and biophysical properties (such as structural, functional, and spatial information, amino acid conservation, physicochemical variation, residue mobility, and thermodynamic stability) indicates that this missense variant is not expected to disrupt FGD4 protein function with a negative predictive value of 80%. In summary, the available evidence is currently insufficient to determine the role of this variant in disease. Therefore, it has been classified as a Variant of Uncertain Significance.

NM_001370298.3(FGD4):c.664G>T (p.Ala222Ser)

Gene: FGD4 (FYVE, RhoGEF and PH domain containing 4; plus strand). Cytogenetic location: 12p11.21.
Variant type: single nucleotide variant.
Coding change: c.664G>T on transcript NM_001370298.3 (MANE Select); coding-DNA position 664, G replaced by T.
Protein change: p.Ala222Ser; replaces alanine 222 with serine.
Molecular consequence: missense variant. On other transcripts: 5 prime UTR variant (5), non-coding transcript variant (1), intron variant (1).
Genome position (GRCh38, 1-based): chr12:32,582,120, G>T. VCF-style: chr12-32582120-G-T. GRCh37 (hg19) VCF-style: chr12-32735054-G-T.
Other names: c.-27G>T (NM_001384130.1, NM_001330373.2, NM_001330374.2); c.253G>T, p.Ala85Ser (NM_001384131.1, NM_001384132.1, NM_001385118.1 and 3 more transcripts); c.49-16377G>T (NM_001370297.1); c.508G>T, p.Ala170Ser (NM_001304481.2); c.-592G>T (NM_001304483.2); c.-899G>T (NM_001304484.2); c.664G>T, p.Ala222Ser (NM_001384126.1); short protein forms A222S, A85S, A170S.
Identifiers: ClinVar variation 3667573 (VCV003667573.2).